The following is an entry in ClinVar:

ClinVar aggregate classification (germline): Benign. Review status: reviewed by expert panel (3 of 4 stars). 5 submissions from 5 submitters: Benign (1). 4 of the submissions do not count toward it. Last evaluated 2019-08-02.

Conditions:
Hereditary thrombocytopenia and hematological cancer predisposition syndrome associated with RUNX1. Also called: Familial Platelet Disorder with Propensity to Acute Myelogenous Leukemia; Familial thrombocytopenia with propensity to acute myelogenous leukemia; PLATELET DISORDER, ASPIRIN-LIKE; RUNX1 Familial Platelet Disorder with Associated Myeloid Malignancies. Identifiers: Orphanet 71290, MedGen C1832388, MeSH C563324, MONDO:0100083, OMIM 601399.

Allele frequency attached by ClinVar (database versions not stated): TOPMed 0.00014; 1000 Genomes Project 30x 0.00047; ESP Exome Variant Server 0.00054; 1000 Genomes Project 0.00060; gnomAD exomes 0.00137 and 0.00321; ExAC 0.00259; gnomAD 0.00285 and 0.00300.
gnomAD v4.1: 2,380 of 1,591,676 alleles (0.15%); highest among the groups gnomAD compares: Non-Finnish European, 0.026%; 43 homozygotes.

Submissions (5):

ClinGen Myeloid Malignancy Variant Curation Expert Panel
Classification: Benign for Familial platelet disorder with associated myeloid malignancy. Last evaluated: 2019-08-02. Review status: reviewed by expert panel. Criteria: ClinGen MyeloMalig ACMG Specifications v1. Collection method: curation. Allele origin: germline. Inheritance: Autosomal dominant inheritance.
Comment: The NM_001754.4:c.613+8C>T variant has a MAF of 0.00151 (0.151%, 101/66,722 alleles) in the European (Non-Finnish) subpopulation of the ExAC cohort that is >/= 0.0015 (0.15%) (BA1). This variant is detected in homozygous state (15) in gnomAD population database (BP2). This intronic variant is predicted by SSF and MES to lead to either an increase in the canonical splice site score or a decrease of the canonical splice site score by no more than 10% and no putative cryptic splice sites are created (BP4). In addition, evolutionary conservation prediction algorithms predict the site as not being highly conserved (PhyloP score -1.2534 < 0.1) (BP7). In summary, this variant meets criteria to be classified as benign. ACMG/AMP criteria applied, as specified by the ClinGen Myeloid Malignancy Variant Curation Expert Panel for RUNX1: BA1, BP2, BP4, BP7.

Labcorp Genetics (formerly Invitae), Labcorp
Classification: Benign for Hereditary thrombocytopenia and hematological cancer predisposition syndrome associated with RUNX1. Last evaluated: 2025-12-20. Review status: criteria provided, single submitter. Criteria: Invitae Variant Classification Sherloc (09022015). Collection method: clinical testing. Allele origin: germline. Not counted in ClinVar's aggregate classification.

Blueprint Genetics
Classification: Likely benign. Last evaluated: 2024-11-28. Review status: criteria provided, single submitter. Criteria: ACMG Guidelines, 2015. Collection method: clinical testing. Allele origin: germline. Not counted in ClinVar's aggregate classification.

Illumina Laboratory Services, Illumina
Classification: Benign for Hereditary thrombocytopenia and hematological cancer predisposition syndrome associated with RUNX1. Last evaluated: 2018-01-12. Review status: criteria provided, single submitter. Criteria: ICSL Variant Classification Criteria 13 December 2019. Collection method: clinical testing. Allele origin: germline. Not counted in ClinVar's aggregate classification.
Comment: This variant was observed in the ICSL laboratory as part of a predisposition screen in an ostensibly healthy population. It had not been previously curated by ICSL or reported in the Human Gene Mutation Database (HGMD: prior to June 1st, 2018), and was therefore a candidate for classification through an automated scoring system. Utilizing variant allele frequency, disease prevalence and penetrance estimates, and inheritance mode, an automated score was calculated to assess if this variant is too frequent to cause the disease. Based on the score and internal cut-off values, a variant classified as benign is not then subjected to further curation. The score for this variant resulted in a classification of benign for this disease.

PreventionGenetics, part of Exact Sciences
Classification: Likely benign. Last evaluated: 2016-05-11. Review status: criteria provided, single submitter. Criteria: ACMG Guidelines, 2015. Collection method: clinical testing. Allele origin: germline. Not counted in ClinVar's aggregate classification.

NM_001754.5(RUNX1):c.613+8C>T

Genes: RUNX1 (RUNX family transcription factor 1; minus strand), RUNX1-AS1 (RUNX1 antisense RNA 1; plus strand). Cytogenetic location: 21q22.12.
Variant type: single nucleotide variant.
Coding change: c.613+8C>T on transcript NM_001754.5 (MANE Select); 8 bases into the intron after coding-DNA position 613, C replaced by T.
Molecular consequence: intron variant.
Genome position (GRCh38, 1-based): chr21:34,859,466, G>A on the plus strand (C>T on the coding strand, the complement: RUNX1 is on the minus strand). VCF-style: chr21-34859466-G-A. GRCh37 (hg19) VCF-style: chr21-36231763-G-A.
Other names: c.532+8C>T (NM_001001890.3, NM_001122607.2).
Identifiers: ClinVar variation 339876 (VCV000339876.18), dbSNP rs186585782, ClinGen allele CA10014475.